The following is an entry in ClinVar:

NM_001276345.2(TNNT2):c.58G>T (p.Ala20Ser)

Gene: TNNT2 (troponin T2, cardiac type; minus strand). Cytogenetic location: 1q32.1.
Variant type: single nucleotide variant.
Coding change: c.58G>T on transcript NM_001276345.2 (MANE Select); coding-DNA position 58, G replaced by T.
Protein change: p.Ala20Ser; replaces alanine 20 with serine.
Molecular consequence: missense variant. On other transcripts: intron variant (2).
Genome position (GRCh38, 1-based): chr1:201,372,036, C>A on the plus strand (G>T on the coding strand, the complement: TNNT2 is on the minus strand). VCF-style: chr1-201372036-C-A. GRCh37 (hg19) VCF-style: chr1-201341164-C-A.
Other names: c.58G>T, p.Ala20Ser (NM_000364.4, NM_001001430.3, NM_001001431.3 and 7 more transcripts); c.52+109G>T (NM_001001432.3, NM_001406728.1); short protein forms A20S.
Identifiers: ClinVar variation 2944143 (VCV002944143.3), dbSNP rs1211720474, ClinGen allele CA344208067.

ClinVar aggregate classification (germline): Uncertain significance (1 of 4 stars; one submission).

Conditions:
Dilated cardiomyopathy 1D. Identifiers: Orphanet 154, Orphanet 54260, MedGen C1832243, MONDO:0011095, OMIM 601494.
Cardiomyopathy, familial restrictive, 3. Identifiers: Orphanet 75249, MedGen C2676271, MONDO:0012900, OMIM 612422.
Hypertrophic cardiomyopathy 2. Also called: TNNT2-Related Familial Hypertrophic Cardiomyopathy. Identifiers: MedGen C1861864, MONDO:0007266, OMIM 115195.

Allele frequency attached by ClinVar (database versions not stated): gnomAD exomes below 0.00001.
gnomAD v4.1: 2 of 1,572,492 alleles (0.00013%); highest among the groups gnomAD compares: Non-Finnish European, 0.000086%; no homozygotes.

Submission:

Labcorp Genetics (formerly Invitae), Labcorp
Classification: Uncertain significance for Cardiomyopathy, familial restrictive, 3; Hypertrophic cardiomyopathy 2; Dilated cardiomyopathy 1D. Last evaluated: 2023-12-11. Review status: criteria provided, single submitter. Criteria: Invitae Variant Classification Sherloc (09022015). Collection method: clinical testing. Allele origin: germline.
Comment: This sequence change replaces alanine, which is neutral and non-polar, with serine, which is neutral and polar, at codon 20 of the TNNT2 protein (p.Ala20Ser). This variant is present in population databases (no rsID available, gnomAD no frequency). This variant has not been reported in the literature in individuals affected with TNNT2-related conditions. Advanced modeling of protein sequence and biophysical properties (such as structural, functional, and spatial information, amino acid conservation, physicochemical variation, residue mobility, and thermodynamic stability) has been performed at Invitae for this missense variant, however the output from this modeling did not meet the statistical confidence thresholds required to predict the impact of this variant on TNNT2 protein function. In summary, the available evidence is currently insufficient to determine the role of this variant in disease. Therefore, it has been classified as a Variant of Uncertain Significance.